The following is an entry in ClinVar:

NM_000321.3(RB1):c.2501C>T (p.Ser834Leu)

Gene: RB1 (RB transcriptional corepressor 1; plus strand). Cytogenetic location: 13q14.2.
Variant type: single nucleotide variant.
Coding change: c.2501C>T on transcript NM_000321.3 (MANE Select); coding-DNA position 2501, C replaced by T.
Protein change: p.Ser834Leu; replaces serine 834 with leucine.
Molecular consequence: missense variant.
Genome position (GRCh38, 1-based): chr13:48,473,371, C>T. VCF-style: chr13-48473371-C-T. GRCh37 (hg19) VCF-style: chr13-49047507-C-T.
Other names: short protein forms S834L.
Identifiers: ClinVar variation 660576 (VCV000660576.9), dbSNP rs1131690906, ClinGen allele CA388168127.

ClinVar aggregate classification (germline): Uncertain significance. Review status: criteria provided, multiple submitters, no conflicts (2 of 4 stars). 2 submissions from 2 submitters: Uncertain significance (2). Last evaluated 2026-07-07.

Conditions:
Hereditary cancer-predisposing syndrome. Also called: Neoplastic Syndromes, Hereditary; Hereditary Cancer Syndrome; Hereditary neoplastic syndrome; Tumor predisposition. Identifiers: Orphanet 140162, MedGen C0027672, MeSH D009386, MONDO:0015356.
Retinoblastoma (RB1). Also called: RETINOBLASTOMA, SOMATIC. Identifiers: Orphanet 790, MedGen C0035335, MeSH D012175, MONDO:0008380, OMIM 180200, HP:0009919. Disease mechanism: loss of function. Inheritance: Both sporadic and heritable forms are tested..

Submissions (2):

Ambry Genetics
Classification: Uncertain significance for Hereditary cancer-predisposing syndrome. Last evaluated: 2026-07-07. Review status: criteria provided, single submitter. Criteria: Ambry Variant Classification Scheme 2023. Collection method: clinical testing. Allele origin: germline.
Comment: The p.S834L variant (also known as c.2501C>T), located in coding exon 24 of the RB1 gene, results from a C to T substitution at nucleotide position 2501. The serine at codon 834 is replaced by leucine, an amino acid with dissimilar properties. This amino acid position is conserved. In addition, this alteration is predicted to be deleterious by in silico analysis. Based on the available evidence, the clinical significance of this variant remains unclear.

Labcorp Genetics (formerly Invitae), Labcorp
Classification: Uncertain significance for Retinoblastoma. Last evaluated: 2018-07-15. Review status: criteria provided, single submitter. Criteria: Invitae Variant Classification Sherloc (09022015). Collection method: clinical testing. Allele origin: germline.
Comment: In summary, the available evidence is currently insufficient to determine the role of this variant in disease. Therefore, it has been classified as a Variant of Uncertain Significance. This sequence change replaces serine with leucine at codon 834 of the RB1 protein (p.Ser834Leu). The serine residue is highly conserved and there is a large physicochemical difference between serine and leucine. This variant is not present in population databases (ExAC no frequency). This variant has not been reported in the literature in individuals with RB1-related disease. Algorithms developed to predict the effect of missense changes on protein structure and function (SIFT, PolyPhen-2, Align-GVGD) all suggest that this variant is likely to be disruptive, but these predictions have not been confirmed by published functional studies and their clinical significance is uncertain.